The following is an entry in ClinVar:

NM_030665.4(RAI1):c.4736A>G (p.Tyr1579Cys)

Gene: RAI1 (retinoic acid induced 1; plus strand). Cytogenetic location: 17p11.2.
Variant type: single nucleotide variant.
Coding change: c.4736A>G on transcript NM_030665.4 (MANE Select); coding-DNA position 4736, A replaced by G.
Protein change: p.Tyr1579Cys; replaces tyrosine 1579 with cysteine.
Molecular consequence: missense variant.
Genome position (GRCh38, 1-based): chr17:17,797,684, A>G. VCF-style: chr17-17797684-A-G. GRCh37 (hg19) VCF-style: chr17-17700998-A-G.
Other names: short protein forms Y1579C.
Identifiers: ClinVar variation 2870941 (VCV002870941.3), dbSNP rs2543622163, ClinGen allele CA398557380.

ClinVar aggregate classification (germline): Uncertain significance (1 of 4 stars; one submission).

Allele frequency attached by ClinVar (database versions not stated): gnomAD exomes below 0.00001.
gnomAD v4.1: 1 of 1,613,674 alleles (0.000062%); highest among the groups gnomAD compares: Non-Finnish European, 0.000085%; no homozygotes.

Submission:

Labcorp Genetics (formerly Invitae), Labcorp
Classification: Uncertain significance. Last evaluated: 2022-12-29. Review status: criteria provided, single submitter. Criteria: Invitae Variant Classification Sherloc (09022015). Collection method: clinical testing. Allele origin: germline.
Comment: In summary, the available evidence is currently insufficient to determine the role of this variant in disease. Therefore, it has been classified as a Variant of Uncertain Significance. Algorithms developed to predict the effect of missense changes on protein structure and function (SIFT, PolyPhen-2, Align-GVGD) all suggest that this variant is likely to be disruptive. This variant has not been reported in the literature in individuals affected with RAI1-related conditions. This variant is not present in population databases (gnomAD no frequency). This sequence change replaces tyrosine, which is neutral and polar, with cysteine, which is neutral and slightly polar, at codon 1579 of the RAI1 protein (p.Tyr1579Cys).